The following is an entry in ClinVar:

NM_014049.5(ACAD9):c.1693-266G>C

Genes: ACAD9 (acyl-CoA dehydrogenase family member 9; plus strand), CFAP92 (cilia and flagella associated protein 92 (putative); minus strand). Cytogenetic location: 3q21.3.
Variant type: single nucleotide variant.
Coding change: c.1693-266G>C on transcript NM_014049.5 (MANE Select); 266 bases into the intron before coding-DNA position 1693, G replaced by C.
Molecular consequence: intron variant.
Genome position (GRCh38, 1-based): chr3:128,910,475, G>C. VCF-style: chr3-128910475-G-C. GRCh37 (hg19) VCF-style: chr3-128629318-G-C.
Other names: c.1324-266G>C (NM_001410805.1); c.2312-142C>G (NM_001348521.2); c.2408-142C>G (NM_001348520.2); c.3281-142C>G (NM_001394090.1).
Identifiers: ClinVar variation 3234686 (VCV003234686.20), dbSNP rs1039726829, ClinGen allele CA2825001193.

ClinVar aggregate classification (germline): Uncertain significance (1 of 4 stars; one submission).

Submission:

CeGaT Center for Human Genetics Tuebingen
Classification: Uncertain significance. Last evaluated: 2024-04-01. Review status: criteria provided, single submitter. Criteria: CeGaT Center For Human Genetics Tuebingen Variant Classification Criteria Version 2. Collection method: clinical testing. Allele origin: germline. Affected: yes. Observed: 1 variant allele.
Comment: ACAD9: PM2